The following is an entry in ClinVar:

ClinVar aggregate classification (germline): Uncertain significance (1 of 4 stars; one submission).

Conditions:
Congenital myasthenic syndrome 8. Also called: Myasthenic syndrome, congenital, 8, with pre- and postsynaptic defects; MYASTHENIC SYNDROME, CONGENITAL, DUE TO AGRIN DEFICIENCY. Identifiers: Orphanet 590, MedGen C3808739, MONDO:0014052, OMIM 615120.

Allele frequency attached by ClinVar (database versions not stated): gnomAD exomes 0.00001; ExAC 0.00004; ESP Exome Variant Server 0.00015.
gnomAD v4.1: 16 of 1,606,202 alleles (0.001%); highest among the groups gnomAD compares: African/African-American, 0.02%; no homozygotes.

Submission:

Labcorp Genetics (formerly Invitae), Labcorp
Classification: Uncertain significance for Congenital myasthenic syndrome 8. Last evaluated: 2022-02-08. Review status: criteria provided, single submitter. Criteria: Invitae Variant Classification Sherloc (09022015). Collection method: clinical testing. Allele origin: germline.
Comment: In summary, the available evidence is currently insufficient to determine the role of this variant in disease. Therefore, it has been classified as a Variant of Uncertain Significance. Algorithms developed to predict the effect of missense changes on protein structure and function (SIFT, PolyPhen-2, Align-GVGD) all suggest that this variant is likely to be tolerated. This variant has not been reported in the literature in individuals affected with AGRN-related conditions. This variant is present in population databases (rs376270407, gnomAD 0.02%). This sequence change replaces alanine, which is neutral and non-polar, with aspartic acid, which is acidic and polar, at codon 1838 of the AGRN protein (p.Ala1838Asp).

NM_198576.4(AGRN):c.5513C>A (p.Ala1838Asp)

Gene: AGRN (agrin; plus strand). Cytogenetic location: 1p36.33.
Variant type: single nucleotide variant.
Coding change: c.5513C>A on transcript NM_198576.4 (MANE Select); coding-DNA position 5513, C replaced by A.
Protein change: p.Ala1838Asp; replaces alanine 1838 with aspartic acid.
Molecular consequence: missense variant.
Genome position (GRCh38, 1-based): chr1:1,051,595, C>A. VCF-style: chr1-1051595-C-A. GRCh37 (hg19) VCF-style: chr1-986975-C-A.
Other names: c.5525C>A, p.Ala1842Asp (NM_001305275.2); c.5210C>A, p.Ala1737Asp (NM_001364727.2); short protein forms A1737D, A1842D, A1838D.
Identifiers: ClinVar variation 1352339 (VCV001352339.6), dbSNP rs376270407, ClinGen allele CA510057.